The following is an entry in ClinVar:

ClinVar aggregate classification (germline): Uncertain significance (1 of 4 stars; one submission).

Submission:

Labcorp Genetics (formerly Invitae), Labcorp
Classification: Uncertain significance. Last evaluated: 2022-10-24. Review status: criteria provided, single submitter. Criteria: Invitae Variant Classification Sherloc (09022015). Collection method: clinical testing. Allele origin: germline.
Comment: This sequence change replaces valine with leucine at codon 162 of the COX15 protein (p.Val162Leu). The valine residue is weakly conserved and there is a small physicochemical difference between valine and leucine. This variant is not present in population databases (gnomAD no frequency). This variant has not been reported in the literature in individuals affected with COX15-related conditions. ClinVar contains an entry for this variant (Variation ID: 1374987). Algorithms developed to predict the effect of missense changes on protein structure and function are either unavailable or do not agree on the potential impact of this missense change (SIFT: "Not Available"; PolyPhen-2: "Benign"; Align-GVGD: "Not Available"). In summary, the available evidence is currently insufficient to determine the role of this variant in disease. Therefore, it has been classified as a Variant of Uncertain Significance.

NM_078470.6(COX15):c.484G>T (p.Val162Leu)

Gene: COX15 (cytochrome c oxidase assembly factor COX15; minus strand). Cytogenetic location: 10q24.2.
Variant type: single nucleotide variant.
Coding change: c.484G>T on transcript NM_078470.6 (MANE Select); coding-DNA position 484, G replaced by T.
Protein change: p.Val162Leu; replaces valine 162 with leucine.
Molecular consequence: missense variant. On other transcripts: 5 prime UTR variant (1), non-coding transcript variant (1).
Genome position (GRCh38, 1-based): chr10:99,727,066, C>A on the plus strand (G>T on the coding strand, the complement: COX15 is on the minus strand). VCF-style: chr10-99727066-C-A. GRCh37 (hg19) VCF-style: chr10-101486823-C-A.
Other names: c.484G>T, p.Val162Leu (NM_001320974.2, NM_001320975.2, NM_001372024.1 and 5 more transcripts); c.-54G>T (NM_001320976.2); short protein forms V162L.
Identifiers: ClinVar variation 1374987 (VCV001374987.6), dbSNP rs2133621259, ClinGen allele CA378087754.